The following is an entry in ClinVar:

NM_000038.6(APC):c.3083G>T (p.Ser1028Ile)

Gene: APC (APC regulator of Wnt signaling pathway; plus strand). Cytogenetic location: 5q22.2.
Variant type: single nucleotide variant.
Coding change: c.3083G>T on transcript NM_000038.6 (MANE Select); coding-DNA position 3083, G replaced by T.
Protein change: p.Ser1028Ile; replaces serine 1028 with isoleucine.
Molecular consequence: missense variant.
Genome position (GRCh38, 1-based): chr5:112,838,677, G>T. VCF-style: chr5-112838677-G-T. GRCh37 (hg19) VCF-style: chr5-112174374-G-T.
Other names: NM_000038.6(APC):c.3083G>T; p.Ser1028Ile; c.3083G>T, p.Ser1028Ile (NM_001127510.3, NM_001354895.2); c.3029G>T, p.Ser1010Ile (NM_001127511.3); c.3137G>T, p.Ser1046Ile (NM_001354896.2); c.3113G>T, p.Ser1038Ile (NM_001354897.2); c.3008G>T, p.Ser1003Ile (NM_001354898.2); c.2999G>T, p.Ser1000Ile (NM_001354899.2); and 7 more; short protein forms S1028I, S1010I, S1038I, S745I, S902I, S927I, S1046I, S868I.
Identifiers: ClinVar variation 469904 (VCV000469904.19), dbSNP rs1114167617, ClinGen allele CA16028086.
Genomic context (GRCh38, chr5:112,838,677, plus strand): 5'-TACATAGTGCAAATCATATGGATGATAATGATGGAGAACTAGATACACCAATAAATTATA[G>T]TCTTAAATATTCAGATGAGCAGTTGAACTCTGGAAGGCAAAGTCCTTCACAGAATGAAAG-3'
Protein context (NP_000029.2, residues 1018-1038): DGELDTPINY[Ser1028Ile]LKYSDEQLNS

ClinVar aggregate classification (germline): Likely pathogenic. Review status: reviewed by expert panel (3 of 4 stars). 5 submissions from 5 submitters: Likely pathogenic (1). 4 of the submissions do not count toward it. Last evaluated 2023-02-25.

Conditions:
Familial adenomatous polyposis 1 (FAP1). Also called: FAMILIAL ADENOMATOUS POLYPOSIS 1, ATTENUATED; POLYPOSIS, ADENOMATOUS INTESTINAL. Identifiers: MedGen C2713442, MONDO:0021056, OMIM 175100. Disease mechanism: loss of function.
Hereditary cancer-predisposing syndrome. Also called: Neoplastic Syndromes, Hereditary; Tumor predisposition; Hereditary neoplastic syndrome; Hereditary Cancer Syndrome. Identifiers: Orphanet 140162, MedGen C0027672, MeSH D009386, MONDO:0015356.

Allele frequency attached by ClinVar (database versions not stated): gnomAD 0.00001; gnomAD exomes below 0.00001.
gnomAD v4.1: 2 of 1,614,042 alleles (0.00012%); highest among the groups gnomAD compares: South Asian, 0.0011%; no homozygotes.

Submissions (5):

ClinGen InSiGHT Hereditary Colorectal Cancer/Polyposis Variant Curation Expert Panel
Classification: Likely pathogenic for Familial adenomatous polyposis 1. Last evaluated: 2023-02-25. Review status: reviewed by expert panel. Criteria: ClinGen InSiGHT HCCP VCEP ACMG Specifications APC V1. Collection method: curation. Allele origin: germline. Inheritance: Autosomal dominant inheritance.
Comment: The c.3083G>T variant in APC is a missense variant predicted to cause the substitution of serine by isoleucine at amino acid position 1028 (p.Ser1028Ile). This variant has been reported in 6 individuals resulting in a total phenotype score of 4.5 (PS4, Ambry, Invitae, Melbourne internal data). Another missense variant c.3084T>A (p.Ser1028Arg) in the same codon has been classified as Likely Pathogenic for FAP by the ClinGen InSiGHT Hereditary Colorectal Cancers/ Polyposis VCEP (PM5_Supporting). Splicing prediction using SpliceAI and varSEAK revealed no expected effects on splicing due to any of these variants. Finally, this variant is absent from gnomAD v2.1.1 (PM2_Supporting). In summary, this variant is classified as Likely Pathogenic for FAP based on the ACMG/AMP criteria applied, as specified by the ClinGen InSiGHT Hereditary Colorectal Cancer/Polyposis Variant Curation Expert Panel: PS4, PM2_Supporting, and PM5_Supporting (VCEP specifications version 1; date of approval: 12/12/2022).

Ambry Genetics
Classification: Likely pathogenic for Hereditary cancer-predisposing syndrome. Last evaluated: 2026-01-20. Review status: criteria provided, single submitter. Criteria: Ambry Variant Classification Scheme 2023. Collection method: clinical testing. Allele origin: germline. Not counted in ClinVar's aggregate classification.
Comment: The p.S1028I variant (also known as c.3083G>T), located in coding exon 15 of the APC gene, results from a G to T substitution at nucleotide position 3083. The serine at codon 1028 is replaced by isoleucine, an amino acid with dissimilar properties. This variant was reported in individuals with features consistent with APC-related familial adenomatous polyposis (Ambry internal data). This variant is considered to be rare based on population cohorts in the Genome Aggregation Database (gnomAD). Other variants at the same codon, p.S1028N (c.3083G>A) and p.S1028R (c.3084T>A), have been identified in individuals with features consistent with APC-related familial adenomatous polyposis (Ambry internal data). In addition, structural analysis indicated that this variant lies on the protein interface important for &beta;-Catenin binding (Ambry internal data). This amino acid position is highly conserved in available vertebrate species. In addition, in silico predictors for this gene do not accurately predict pathogenicity. Based on the majority of available evidence to date, this variant is likely to be pathogenic.

Labcorp Genetics (formerly Invitae), Labcorp
Classification: Uncertain significance for Familial adenomatous polyposis 1. Last evaluated: 2017-07-19. Review status: criteria provided, single submitter. Criteria: Invitae Variant Classification Sherloc (09022015). Collection method: clinical testing. Allele origin: germline. Not counted in ClinVar's aggregate classification.
Comment: In summary, the available evidence is currently insufficient to determine the role of this variant in disease. Therefore, it has been classified as a Variant of Uncertain Significance. Algorithms developed to predict the effect of missense changes on protein structure and function do not agree on the potential impact of this missense change (SIFT: "Deleterious"; PolyPhen-2: "Probably Damaging"; Align-GVGD: "Class C15"). This variant has not been reported in the literature in individuals with APC-related disease. This variant is not present in population databases (ExAC no frequency). This sequence change replaces serine with isoleucine at codon 1028 of the APC protein (p.Ser1028Ile). The serine residue is highly conserved and there is a large physicochemical difference between serine and isoleucine.

Clinical Genetics DNA and cytogenetics Diagnostics Lab, Erasmus MC, Erasmus Medical Center
Classification: Uncertain significance. Review status: no assertion criteria provided. Collection method: clinical testing. Allele origin: germline. Affected: yes. Study: VKGL Data-share Consensus. Not counted in ClinVar's aggregate classification.

Joint Genome Diagnostic Labs from Nijmegen and Maastricht, Radboudumc and MUMC+
Classification: Uncertain significance. Review status: no assertion criteria provided. Collection method: clinical testing. Allele origin: germline. Affected: yes. Study: VKGL Data-share Consensus. Not counted in ClinVar's aggregate classification.

Literature cited by the submitters: PubMed 37800450 (cited by Ambry Genetics).